The following is an entry in ClinVar:

ClinVar aggregate classification (germline): Uncertain significance (1 of 4 stars; one submission).

Conditions:
Cardiovascular phenotype. Identifiers: MedGen CN230736.

Allele frequency attached by ClinVar (database versions not stated): gnomAD exomes below 0.00001; gnomAD 0.00001; TOPMed 0.00001.
gnomAD v4.1: 4 of 1,613,094 alleles (0.00025%); highest among the groups gnomAD compares: Non-Finnish European, 0.00034%; no homozygotes.

Submission:

Ambry Genetics
Classification: Uncertain significance for Cardiovascular phenotype. Last evaluated: 2023-03-23. Review status: criteria provided, single submitter. Criteria: Ambry Variant Classification Scheme 2023. Collection method: clinical testing. Allele origin: germline.
Comment: The p.S2318T variant (also known as c.6952T>A), located in coding exon 19 of the TNXB gene, results from a T to A substitution at nucleotide position 6952. The serine at codon 2318 is replaced by threonine, an amino acid with similar properties. This amino acid position is conserved. In addition, this alteration is predicted to be tolerated by in silico analysis. Since supporting evidence is limited at this time, the clinical significance of this alteration remains unclear.

NM_001365276.2(TNXB):c.6952T>A (p.Ser2318Thr)

Gene: TNXB (tenascin XB; minus strand). Cytogenetic location: 6p21.33.
Variant type: single nucleotide variant.
Coding change: c.6952T>A on transcript NM_001365276.2 (MANE Select); coding-DNA position 6952, T replaced by A.
Protein change: p.Ser2318Thr; replaces serine 2318 with threonine.
Molecular consequence: missense variant.
Genome position (GRCh38, 1-based): chr6:32,062,373, A>T on the plus strand (T>A on the coding strand, the complement: TNXB is on the minus strand). VCF-style: chr6-32062373-A-T. GRCh37 (hg19) VCF-style: chr6-32030150-A-T.
Other names: c.6952T>A, p.Ser2318Thr (NM_019105.8); short protein forms S2318T.
Identifiers: ClinVar variation 2562160 (VCV002562160.2), dbSNP rs1480132893, ClinGen allele CA363554397.